The following is an entry in ClinVar:

NM_001252024.2(TRPM1):c.916C>T (p.Arg306Cys)

Gene: TRPM1 (transient receptor potential cation channel subfamily M member 1; minus strand). Cytogenetic location: 15q13.3.
Variant type: single nucleotide variant.
Coding change: c.916C>T on transcript NM_001252024.2 (MANE Select); coding-DNA position 916, C replaced by T.
Protein change: p.Arg306Cys; replaces arginine 306 with cysteine.
Molecular consequence: missense variant.
Genome position (GRCh38, 1-based): chr15:31,063,167, G>A on the plus strand (C>T on the coding strand, the complement: TRPM1 is on the minus strand). VCF-style: chr15-31063167-G-A. GRCh37 (hg19) VCF-style: chr15-31355370-G-A.
Other names: c.967C>T, p.Arg323Cys (NM_001252020.2); c.850C>T, p.Arg284Cys (NM_002420.6); short protein forms R284C, R306C, R323C.
Identifiers: ClinVar variation 1451051 (VCV001451051.8), dbSNP rs755019950, ClinGen allele CA7452770.

ClinVar aggregate classification (germline): Uncertain significance (1 of 4 stars; one submission).

Allele frequency attached by ClinVar (database versions not stated): gnomAD exomes below 0.00001 and 0.00001; ExAC 0.00001.
gnomAD v4.1: 12 of 1,614,184 alleles (0.00074%); highest among the groups gnomAD compares: African/African-American, 0.0013%; no homozygotes.

Submission:

Labcorp Genetics (formerly Invitae), Labcorp
Classification: Uncertain significance. Last evaluated: 2021-06-06. Review status: criteria provided, single submitter. Criteria: Invitae Variant Classification Sherloc (09022015). Collection method: clinical testing. Allele origin: germline.
Comment: In summary, the available evidence is currently insufficient to determine the role of this variant in disease. Therefore, it has been classified as a Variant of Uncertain Significance. Algorithms developed to predict the effect of missense changes on protein structure and function (SIFT, PolyPhen-2, Align-GVGD) all suggest that this variant is likely to be disruptive, but these predictions have not been confirmed by published functional studies and their clinical significance is uncertain. This variant has not been reported in the literature in individuals with TRPM1-related conditions. This variant is present in population databases (rs755019950, ExAC 0.02%). This sequence change replaces arginine with cysteine at codon 284 of the TRPM1 protein (p.Arg284Cys). The arginine residue is highly conserved and there is a large physicochemical difference between arginine and cysteine.